The following is an entry in ClinVar:

ClinVar aggregate classification (germline): Conflicting classifications of pathogenicity. Review status: criteria provided, conflicting classifications (1 of 4 stars). 7 submissions from 7 submitters: Uncertain significance (5); Likely benign (1). 1 of the submissions does not count toward it. Last evaluated 2025-12-16.

Conditions:
Zellweger spectrum disorders (ZS). Also called: Zellweger Spectrum Disorder; Zellweger Spectrum; Zellweger Spectrum Disorder (ZSD); Zellweger syndrome. Identifiers: Orphanet 912, MedGen C0043459, MONDO:0019609.
Inborn genetic diseases. Identifiers: MedGen C0950123, MeSH D030342.
Peroxisome biogenesis disorder. Identifiers: Orphanet 79189, MedGen C1832200, MONDO:0019234. Disease mechanism: loss of function.
Peroxisome biogenesis disorder 4A (Zellweger) (PBD4A). Also called: Zellweger syndrome spectrum (PEX6-related). Identifiers: Orphanet 912, MedGen C3553936, MONDO:0013930, OMIM 614862. Disease mechanism: loss of function.
PEX6-related disorder. Also called: PEX6-related condition; PEX6-related disorders.

Allele frequency attached by ClinVar (database versions not stated): gnomAD exomes 0.00009; ExAC 0.00011; 1000 Genomes Project 0.00020; ESP Exome Variant Server 0.00023; gnomAD 0.00027 and 0.00030; 1000 Genomes Project 30x 0.00031; TOPMed 0.00034.
gnomAD v4.1: 97 of 1,613,860 alleles (0.006%); highest among the groups gnomAD compares: African/African-American, 0.053%; no homozygotes.

Submissions (7):

Labcorp Genetics (formerly Invitae), Labcorp
Classification: Likely benign for Peroxisome biogenesis disorder. Last evaluated: 2025-12-16. Review status: criteria provided, single submitter. Criteria: Invitae Variant Classification Sherloc (09022015). Collection method: clinical testing. Allele origin: germline.

PreventionGenetics, part of Exact Sciences
Classification: Uncertain significance for PEX6-related condition. Last evaluated: 2025-05-02. Review status: criteria provided, single submitter. Criteria: ACMG Guidelines, 2015. Collection method: clinical testing. Allele origin: germline.
Comment: The PEX6 c.1670A>G variant is predicted to result in the amino acid substitution p.Asn557Ser. To our knowledge, this variant has not been reported in the literature. This variant is reported in 0.064% of alleles in individuals of African descent in gnomAD. At this time, the clinical significance of this variant is uncertain due to the absence of conclusive functional and genetic evidence.

Ambry Genetics
Classification: Uncertain significance for Inborn genetic diseases. Last evaluated: 2025-02-09. Review status: criteria provided, single submitter. Criteria: Ambry Variant Classification Scheme 2023. Collection method: clinical testing. Allele origin: germline.

Revvity Omics, Revvity
Classification: Uncertain significance. Last evaluated: 2019-08-07. Review status: criteria provided, single submitter. Criteria: ACMG Guidelines, 2015. Collection method: clinical testing. Allele origin: germline.

Eurofins Ntd Llc (ga)
Classification: Uncertain significance. Last evaluated: 2018-03-23. Review status: criteria provided, single submitter. Criteria: EGL ClinVar v180209 classification definitions. Collection method: clinical testing. Allele origin: germline. Observed: 3 variant alleles, 3 heterozygotes.

Illumina Laboratory Services, Illumina
Classification: Uncertain significance for Peroxisome biogenesis disorder 4A (Zellweger). Last evaluated: 2018-01-15. Review status: criteria provided, single submitter. Criteria: ICSL Variant Classification Criteria 13 December 2019. Collection method: clinical testing. Allele origin: germline.

Natera, Inc.
Classification: Uncertain significance for Zellweger syndrome. Last evaluated: 2019-10-28. Review status: no assertion criteria provided. Collection method: clinical testing. Allele origin: germline. Not counted in ClinVar's aggregate classification.

NM_000287.4(PEX6):c.1670A>G (p.Asn557Ser)

Gene: PEX6 (peroxisomal biogenesis factor 6; minus strand). Cytogenetic location: 6p21.1.
Variant type: single nucleotide variant.
Coding change: c.1670A>G on transcript NM_000287.4 (MANE Select); coding-DNA position 1670, A replaced by G.
Protein change: p.Asn557Ser; replaces asparagine 557 with serine.
Molecular consequence: missense variant. On other transcripts: non-coding transcript variant (1).
Genome position (GRCh38, 1-based): chr6:42,968,308, T>C on the plus strand (A>G on the coding strand, the complement: PEX6 is on the minus strand). VCF-style: chr6-42968308-T-C. GRCh37 (hg19) VCF-style: chr6-42936046-T-C.
Other names: c.1406A>G, p.Asn469Ser (NM_001316313.2); short protein forms N557S, N469S.
Identifiers: ClinVar variation 502786 (VCV000502786.21), dbSNP rs138621982, ClinGen allele CA3811267.